The following is an entry in ClinVar:

NM_000465.4(BARD1):c.2169T>C (p.His723=)

Gene: BARD1 (BRCA1 associated RING domain 1; minus strand). Cytogenetic location: 2q35.
Variant type: single nucleotide variant.
Coding change: c.2169T>C on transcript NM_000465.4 (MANE Select); coding-DNA position 2169, T replaced by C.
Protein change: p.His723=; no amino-acid change (histidine 723 retained).
Molecular consequence: synonymous variant. On other transcripts: non-coding transcript variant (3).
Genome position (GRCh38, 1-based): chr2:214,728,841, A>G on the plus strand (T>C on the coding strand, the complement: BARD1 is on the minus strand). VCF-style: chr2-214728841-A-G. GRCh37 (hg19) VCF-style: chr2-215593565-A-G.
Other names: c.2112T>C, p.His704= (NM_001282543.2); c.816T>C, p.His272= (NM_001282545.2); c.759T>C, p.His253= (NM_001282548.2); c.630T>C, p.His210= (NM_001282549.2).
Identifiers: ClinVar variation 183847 (VCV000183847.20), dbSNP rs779808630, ClinGen allele CA186721.
Genomic context (GRCh38, chr2:214,728,841, plus strand): 5'-ACACAAATCTTCATAGATGATATACTGTGTGCAGAAGCGCTGATCAGAATCGGGTCTCGC[A>G]TGGTATGCGACTGTATTGATGGTCTGAGTCACGTCACTGTCTGGCTTGGGCTTTCTACTG-3'
Protein context (NP_000456.2, residues 713-733): VTQTINTVAY[His723=]ARPDSDQRFC

ClinVar aggregate classification (germline): Benign/Likely benign. Review status: criteria provided, multiple submitters, no conflicts (2 of 4 stars). 5 submissions from 5 submitters: Benign (1); Likely benign (4). Last evaluated 2025-07-04.

Conditions:
Hereditary cancer-predisposing syndrome. Also called: Tumor predisposition; Hereditary Cancer Syndrome; Hereditary neoplastic syndrome; Neoplastic Syndromes, Hereditary. Identifiers: Orphanet 140162, MedGen C0027672, MeSH D009386, MONDO:0015356.
Familial cancer of breast. Also called: BREAST CANCER, FAMILIAL; Hereditary breast cancer; hereditary breast carcinoma. Identifiers: Orphanet 227535, MedGen C0346153, MONDO:0016419, OMIM 114480. Disease mechanism: loss of function.

Allele frequency attached by ClinVar (database versions not stated): TOPMed below 0.00001.
gnomAD v4.1: 17 of 1,614,078 alleles (0.0011%); highest among the groups gnomAD compares: East Asian, 0.0045%; no homozygotes.

Submissions (5):

Labcorp Genetics (formerly Invitae), Labcorp
Classification: Likely benign for Familial cancer of breast. Last evaluated: 2025-07-04. Review status: criteria provided, single submitter. Criteria: Invitae Variant Classification Sherloc (09022015). Collection method: clinical testing. Allele origin: germline.

Myriad Genetics, Inc.
Classification: Benign for Familial cancer of breast. Last evaluated: 2024-07-30. Review status: criteria provided, single submitter. Criteria: Myriad Autosomal Dominant, Autosomal Recessive and X-Linked Classification Criteria (2023). Collection method: clinical testing. Allele origin: unknown.
Comment: This variant is considered benign. This variant is a silent/synonymous amino acid change and it is not expected to impact splicing.

Color Diagnostics, LLC DBA Color Health
Classification: Likely benign for Hereditary cancer-predisposing syndrome. Last evaluated: 2018-12-14. Review status: criteria provided, single submitter. Criteria: ACMG Guidelines, 2015. Collection method: clinical testing. Allele origin: germline.

PreventionGenetics, part of Exact Sciences
Classification: Likely benign. Last evaluated: 2017-09-22. Review status: criteria provided, single submitter. Criteria: ACMG Guidelines, 2015. Collection method: clinical testing. Allele origin: germline.

Ambry Genetics
Classification: Likely benign for Hereditary cancer-predisposing syndrome. Last evaluated: 2014-12-19. Review status: criteria provided, single submitter. Criteria: Ambry Variant Classification Scheme 2023. Collection method: clinical testing. Allele origin: germline.